The following is an entry in ClinVar:

NM_000170.3(GLDC):c.2396C>G (p.Thr799Ser)

Gene: GLDC (glycine decarboxylase; minus strand). Cytogenetic location: 9p24.1.
Variant type: single nucleotide variant.
Coding change: c.2396C>G on transcript NM_000170.3 (MANE Select); coding-DNA position 2396, C replaced by G.
Protein change: p.Thr799Ser; replaces threonine 799 with serine.
Molecular consequence: missense variant.
Genome position (GRCh38, 1-based): chr9:6,553,429, G>C on the plus strand (C>G on the coding strand, the complement: GLDC is on the minus strand). VCF-style: chr9-6553429-G-C. GRCh37 (hg19) VCF-style: chr9-6553429-G-C.
Other names: short protein forms T799S.
Identifiers: ClinVar variation 2180770 (VCV002180770.2), dbSNP rs772015252, ClinGen allele CA4980245.

ClinVar aggregate classification (germline): Uncertain significance. Review status: criteria provided, multiple submitters, no conflicts (2 of 4 stars). 2 submissions from 2 submitters: Uncertain significance (2). Last evaluated 2025-04-24.

Conditions:
Glycine encephalopathy. Also called: Nonketotic hyperglycinemia; Non-ketotic hyperglycinemia. Identifiers: Orphanet 407, MedGen C0751748, MONDO:0011612, HP:0008288.

Allele frequency attached by ClinVar (database versions not stated): gnomAD exomes 0.00002; ExAC 0.00004.
gnomAD v4.1: 35 of 1,613,812 alleles (0.0022%); highest among the groups gnomAD compares: South Asian, 0.035%; no homozygotes.

Submissions (2):

GeneDx
Classification: Uncertain significance. Last evaluated: 2025-04-24. Review status: criteria provided, single submitter. Criteria: GeneDx Variant Classification Process June 2021. Collection method: clinical testing. Allele origin: germline. Affected: yes.
Comment: In silico analysis indicates that this missense variant does not alter protein structure/function; Has not been previously published as pathogenic or benign to our knowledge

Labcorp Genetics (formerly Invitae), Labcorp
Classification: Uncertain significance for Glycine encephalopathy. Last evaluated: 2022-04-28. Review status: criteria provided, single submitter. Criteria: Invitae Variant Classification Sherloc (09022015). Collection method: clinical testing. Allele origin: germline.
Comment: This sequence change replaces threonine, which is neutral and polar, with serine, which is neutral and polar, at codon 799 of the GLDC protein (p.Thr799Ser). This variant is present in population databases (rs772015252, gnomAD 0.04%). This variant has not been reported in the literature in individuals affected with GLDC-related conditions. Advanced modeling of protein sequence and biophysical properties (such as structural, functional, and spatial information, amino acid conservation, physicochemical variation, residue mobility, and thermodynamic stability) performed at Invitae indicates that this missense variant is not expected to disrupt GLDC protein function. Algorithms developed to predict the effect of sequence changes on RNA splicing suggest that this variant may create or strengthen a splice site. In summary, the available evidence is currently insufficient to determine the role of this variant in disease. Therefore, it has been classified as a Variant of Uncertain Significance.